The following is an entry in ClinVar:

ClinVar aggregate classification (germline): Pathogenic. Review status: criteria provided, multiple submitters, no conflicts (2 of 4 stars). 3 submissions from 3 submitters: Pathogenic (2). 1 of the submissions does not count toward it. Last evaluated 2022-12-08.

Conditions:
Generalized epilepsy with febrile seizures plus, type 2 (GEFSP2). Also called: GEFS+, TYPE 2. Identifiers: Orphanet 36387, MedGen C1858673, MONDO:0011461, OMIM 604403.
Severe myoclonic epilepsy in infancy (DRVT). Also called: Epileptic encephalopathy, early infantile, 6 (Dravet syndrome); Dravet syndrome; SEVERE MYOCLONIC EPILEPSY OF INFANCY; DEVELOPMENTAL AND EPILEPTIC ENCEPHALOPATHY 6A; Severe Myoclonic Epilepsy in Infancy (SMEI). Identifiers: Orphanet 33069, MedGen C0751122, MONDO:0100135, OMIM 607208.
Developmental and epileptic encephalopathy 6B. Also called: Developmental and epileptic encephalopathy 6B, non-Dravet. Identifiers: MedGen C5543353, MONDO:0030268, OMIM 619317.
Early-infantile DEE. Also called: Early infantile epileptic encephalopathy; Early infantile epileptic encephalopathy with suppression bursts; Ohtahara syndrome. Identifiers: Orphanet 1934, MedGen C0393706, MONDO:0800491.

Submissions (3):

Labcorp Genetics (formerly Invitae), Labcorp
Classification: Pathogenic for Early-infantile DEE. Last evaluated: 2022-12-08. Review status: criteria provided, single submitter. Criteria: Invitae Variant Classification Sherloc (09022015). Collection method: clinical testing. Allele origin: germline.
Comment: For these reasons, this variant has been classified as Pathogenic. Advanced modeling of protein sequence and biophysical properties (such as structural, functional, and spatial information, amino acid conservation, physicochemical variation, residue mobility, and thermodynamic stability) performed at Invitae indicates that this missense variant is expected to disrupt SCN1A protein function. ClinVar contains an entry for this variant (Variation ID: 1179015). This missense change has been observed in individual(s) with Dravet syndrome (PMID: 18930999, 35627257). In at least one individual the variant was observed to be de novo. This variant is not present in population databases (gnomAD no frequency). This sequence change replaces cysteine, which is neutral and slightly polar, with tyrosine, which is neutral and polar, at codon 949 of the SCN1A protein (p.Cys949Tyr).

GeneDx
Classification: Pathogenic. Last evaluated: 2019-12-20. Review status: criteria provided, single submitter. Criteria: GeneDx Variant Classification Process June 2021. Collection method: clinical testing. Allele origin: germline. Affected: yes.
Comment: Not observed in large population cohorts (Lek et al., 2016); The majority of missense variants in this gene are considered pathogenic (Stenson et al., 2014); In silico analysis, which includes protein predictors and evolutionary conservation, supports a deleterious effect; Located within the pore forming loop between the S5 and S6 transmembrane segments of the second homologous domain; This variant is associated with the following publications: (PMID: 32090326, 18930999, 28150151)

Cytogénomique, Hospices Civils de Lyon
Classification: Pathogenic for Severe myoclonic epilepsy in infancy. Review status: no assertion criteria provided. Collection method: clinical testing. Allele origin: unknown. Inheritance: Autosomal dominant inheritance. Affected: yes. Not counted in ClinVar's aggregate classification.

Literature cited by the submitters: PubMed 18930999 (cited by Labcorp Genetics (formerly Invitae), Labcorp); PubMed 35627257 (cited by Labcorp Genetics (formerly Invitae), Labcorp).

NM_001165963.4(SCN1A):c.2846G>A (p.Cys949Tyr)

Gene: SCN1A (sodium voltage-gated channel alpha subunit 1; minus strand). Cytogenetic location: 2q24.3.
Variant type: single nucleotide variant.
Coding change: c.2846G>A on transcript NM_001165963.4 (MANE Select); coding-DNA position 2846, G replaced by A.
Protein change: p.Cys949Tyr; replaces cysteine 949 with tyrosine.
Molecular consequence: missense variant. On other transcripts: non-coding transcript variant (1).
Genome position (GRCh38, 1-based): chr2:166,037,876, C>T on the plus strand (G>A on the coding strand, the complement: SCN1A is on the minus strand). VCF-style: chr2-166037876-C-T. GRCh37 (hg19) VCF-style: chr2-166894386-C-T.
Other names: c.2762G>A, p.Cys921Tyr (NM_001165964.3, NM_001353957.2, NM_001353958.2); c.2846G>A, p.Cys949Tyr (NM_001202435.3, NM_001353948.2); c.2813G>A, p.Cys938Tyr (NM_001353949.2, NM_001353950.2, NM_001353951.2 and 2 more transcripts); c.2810G>A, p.Cys937Tyr (NM_001353954.2, NM_001353955.2); c.2759G>A, p.Cys920Tyr (NM_001353960.2); c.404G>A, p.Cys135Tyr (NM_001353961.2); short protein forms C135Y, C920Y, C921Y, C937Y, C938Y, C949Y.
Identifiers: ClinVar variation 1179015 (VCV001179015.8), dbSNP rs1696624989, ClinGen allele CA349061185.